The following is an entry in ClinVar:

ClinVar aggregate classification (germline): Uncertain significance (1 of 4 stars; one submission).

gnomAD v4.1: 1 of 1,552,018 alleles (0.000064%); highest among the groups gnomAD compares: Non-Finnish European, 0.000087%; no homozygotes.

Submission:

Ambry Genetics
Classification: Uncertain significance. Last evaluated: 2025-05-25. Review status: criteria provided, single submitter. Criteria: Ambry Variant Classification Scheme 2023. Collection method: clinical testing. Allele origin: germline.
Comment: The p.D140E variant (also known as c.420C>A), located in coding exon 1 of the WNK2 gene, results from a C to A substitution at nucleotide position 420. The aspartic acid at codon 140 is replaced by glutamic acid, an amino acid with highly similar properties. This amino acid position is conserved. In addition, this alteration is predicted to be tolerated by in silico analysis. Based on the available evidence, the clinical significance of this variant remains unclear.

NM_006648.4(WNK2):c.420C>A (p.Asp140Glu)

Gene: WNK2 (WNK lysine deficient protein kinase 2; plus strand). Cytogenetic location: 9q22.31.
Variant type: single nucleotide variant.
Coding change: c.420C>A on transcript NM_006648.4 (MANE Select); coding-DNA position 420, C replaced by A.
Protein change: p.Asp140Glu; replaces aspartic acid 140 with glutamic acid.
Molecular consequence: missense variant.
Genome position (GRCh38, 1-based): chr9:93,185,349, C>A. VCF-style: chr9-93185349-C-A. GRCh37 (hg19) VCF-style: chr9-95947631-C-A.
Other names: c.420C>A, p.Asp140Glu (NM_001282394.3); short protein forms D140E.
Identifiers: ClinVar variation 3982121 (VCV003982121.1).